The following is an entry in ClinVar:

ClinVar aggregate classification (germline): Uncertain significance (1 of 4 stars; one submission).

Conditions:
Birt-Hogg-Dube syndrome. Also called: Birt Hogg Dubé syndrome. Identifiers: Orphanet 122, MedGen C0346010, MONDO:0800444.

Submission:

Labcorp Genetics (formerly Invitae), Labcorp
Classification: Uncertain significance for Birt-Hogg-Dube syndrome. Last evaluated: 2024-03-20. Review status: criteria provided, single submitter. Criteria: Invitae Variant Classification Sherloc (09022015). Collection method: clinical testing. Allele origin: germline.
Comment: This sequence change falls in intron 13 of the FLCN gene. It does not directly change the encoded amino acid sequence of the FLCN protein. This variant is not present in population databases (gnomAD no frequency). This variant has not been reported in the literature in individuals affected with FLCN-related conditions. Algorithms developed to predict the effect of sequence changes on RNA splicing suggest that this variant may create or strengthen a splice site. In summary, the available evidence is currently insufficient to determine the role of this variant in disease. Therefore, it has been classified as a Variant of Uncertain Significance.

NM_144997.7(FLCN):c.1538+14T>C

Gene: FLCN (folliculin; minus strand). Cytogenetic location: 17p11.2.
Variant type: single nucleotide variant.
Coding change: c.1538+14T>C on transcript NM_144997.7 (MANE Select); 14 bases into the intron after coding-DNA position 1538, T replaced by C.
Molecular consequence: intron variant.
Genome position (GRCh38, 1-based): chr17:17,214,971, A>G on the plus strand (T>C on the coding strand, the complement: FLCN is on the minus strand). VCF-style: chr17-17214971-A-G. GRCh37 (hg19) VCF-style: chr17-17118285-A-G.
Other names: c.1592+14T>C (NM_001353229.2); c.1538+14T>C (NM_001353231.2, NM_001353230.2).
Identifiers: ClinVar variation 3690019 (VCV003690019.2).